The following is an entry in ClinVar:

NM_021067.5(GINS1):c.587C>T (p.Ser196Leu)

Gene: GINS1 (GINS complex subunit 1; plus strand). Cytogenetic location: 20p11.21.
Variant type: single nucleotide variant.
Coding change: c.587C>T on transcript NM_021067.5 (MANE Select); coding-DNA position 587, C replaced by T.
Protein change: p.Ser196Leu; replaces serine 196 with leucine.
Molecular consequence: missense variant. On other transcripts: non-coding transcript variant (1).
Genome position (GRCh38, 1-based): chr20:25,445,987, C>T. VCF-style: chr20-25445987-C-T. GRCh37 (hg19) VCF-style: chr20-25426623-C-T.
Other names: c.470C>T, p.Ser157Leu (NM_001410830.1); c.332C>T, p.Ser111Leu (NM_001410831.1); short protein forms S111L, S157L, S196L.
Identifiers: ClinVar variation 1975789 (VCV001975789.5), dbSNP rs745627515, ClinGen allele CA9796595.

ClinVar aggregate classification (germline): Uncertain significance (1 of 4 stars; one submission).

Allele frequency attached by ClinVar (database versions not stated): ExAC 0.00001.
gnomAD v4.1: 25 of 1,602,496 alleles (0.0016%); highest among the groups gnomAD compares: East Asian, 0.0045%; no homozygotes.

Submission:

Labcorp Genetics (formerly Invitae), Labcorp
Classification: Uncertain significance. Last evaluated: 2022-11-08. Review status: criteria provided, single submitter. Criteria: Invitae Variant Classification Sherloc (09022015). Collection method: clinical testing. Allele origin: germline.
Comment: Algorithms developed to predict the effect of missense changes on protein structure and function are either unavailable or do not agree on the potential impact of this missense change (SIFT: "Not Available"; PolyPhen-2: "Probably Damaging"; Align-GVGD: "Not Available"). In summary, the available evidence is currently insufficient to determine the role of this variant in disease. Therefore, it has been classified as a Variant of Uncertain Significance. This variant has not been reported in the literature in individuals affected with GINS1-related conditions. This variant is present in population databases (rs745627515, gnomAD 0.01%). This sequence change replaces serine, which is neutral and polar, with leucine, which is neutral and non-polar, at codon 196 of the GINS1 protein (p.Ser196Leu).